The following is an entry in ClinVar:

NM_006086.4(TUBB3):c.26C>A (p.Ala9Asp)

Genes: TUBB3 (tubulin beta 3 class III; plus strand), LOC130059847 (ATAC-STARR-seq lymphoblastoid silent region 7932; plus strand). Cytogenetic location: 16q24.3.
Variant type: single nucleotide variant.
Coding change: c.26C>A on transcript NM_006086.4 (MANE Select); coding-DNA position 26, C replaced by A.
Protein change: p.Ala9Asp; replaces alanine 9 with aspartic acid.
Molecular consequence: missense variant. On other transcripts: intron variant (1).
Genome position (GRCh38, 1-based): chr16:89,923,427, C>A. VCF-style: chr16-89923427-C-A. GRCh37 (hg19) VCF-style: chr16-89989835-C-A.
Other names: c.-160+1182C>A (NM_001197181.2); short protein forms A9D.
Identifiers: ClinVar variation 3336529 (VCV003336529.1).

ClinVar aggregate classification (germline): Uncertain significance (1 of 4 stars; one submission).

Submission:

Women's Health and Genetics/Laboratory Corporation of America, LabCorp
Classification: Uncertain significance. Last evaluated: 2024-05-31. Review status: criteria provided, single submitter. Criteria: LabCorp Variant Classification Summary - May 2015. Collection method: clinical testing. Allele origin: germline.
Comment: Variant summary: TUBB3 c.26C>A (p.Ala9Asp) results in a non-conservative amino acid change located in the Tubulin/FtsZ, GTPase domain (IPR003008) of the encoded protein sequence. Five of five in-silico tools predict a damaging effect of the variant on protein function. The frequency data for this variant in gnomAD is considered unreliable, as metrics indicate poor data quality at this position. To our knowledge, no occurrence of c.26C>A in individuals affected with Cortical Dysplasia, Complex, With Other Brain Malformations 1 and no experimental evidence demonstrating its impact on protein function have been reported. No submitters have cited clinical-significance assessments for this variant to ClinVar. Based on the evidence outlined above, the variant was classified as uncertain significance.